The following is an entry in ClinVar:

NM_001035.3(RYR2):c.14871C>T (p.Cys4957=)

Gene: RYR2 (ryanodine receptor 2; plus strand). Cytogenetic location: 1q43.
Variant type: single nucleotide variant.
Coding change: c.14871C>T on transcript NM_001035.3 (MANE Select); coding-DNA position 14871, C replaced by T.
Protein change: p.Cys4957=; no amino-acid change (cysteine 4957 retained).
Molecular consequence: synonymous variant.
Genome position (GRCh38, 1-based): chr1:237,832,614, C>T. VCF-style: chr1-237832614-C-T. GRCh37 (hg19) VCF-style: chr1-237995914-C-T.
Other names: c.14871C>T (NM_001035.2).
Identifiers: ClinVar variation 922160 (VCV000922160.15), dbSNP rs752034170, ClinGen allele CA085785.

ClinVar aggregate classification (germline): Likely benign. Review status: criteria provided, multiple submitters, no conflicts (2 of 4 stars). 5 submissions from 5 submitters: Likely benign (5). Last evaluated 2026-09-21.

Conditions:
Cardiovascular phenotype. Identifiers: MedGen CN230736.
Catecholaminergic polymorphic ventricular tachycardia (CVPT). Also called: Catecholamine-induced polymorphic ventricular tachycardia. Identifiers: Orphanet 3286, MedGen C5574922, MONDO:0017990.
Cardiomyopathy (CMYO). Also called: Cardiomyopathies. Identifiers: Orphanet 167848, MedGen C0878544, MONDO:0004994, HP:0001638. Inheritance: Various modes of inheritance.
Catecholaminergic polymorphic ventricular tachycardia 1. Also called: VENTRICULAR TACHYCARDIA, CATECHOLAMINERGIC POLYMORPHIC, 1, WITH OR WITHOUT ATRIAL DYSFUNCTION AND/OR DILATED CARDIOMYOPATHY; RYR2-Related Catecholaminergic Polymorphic Ventricular Tachycardia; VENTRICULAR TACHYCARDIA, STRESS-INDUCED POLYMORPHIC 1. Identifiers: Orphanet 3286, MedGen C1631597, MONDO:0011484, OMIM 604772.

Allele frequency attached by ClinVar (database versions not stated): gnomAD 0.00002; ExAC 0.00001; gnomAD exomes below 0.00001 and 0.00002; TOPMed 0.00002.
gnomAD v4.1: 10 of 1,611,962 alleles (0.00062%); highest among the groups gnomAD compares: East Asian, 0.016%; no homozygotes.

Submissions (5):

Molecular Diagnostic Laboratory for Inherited Cardiovascular Disease, Montreal Heart Institute
Classification: Likely benign. Last evaluated: 2026-09-21. Review status: criteria provided, single submitter. Criteria: ACMG Guidelines, 2015. Collection method: clinical testing. Allele origin: germline. Affected: no.
Comment: BP7

Labcorp Genetics (formerly Invitae), Labcorp
Classification: Likely benign for Catecholaminergic polymorphic ventricular tachycardia 1. Last evaluated: 2026-01-10. Review status: criteria provided, single submitter. Criteria: Invitae Variant Classification Sherloc (09022015). Collection method: clinical testing. Allele origin: germline.

All of Us Research Program, National Institutes of Health
Classification: Likely benign for Catecholaminergic polymorphic ventricular tachycardia. Last evaluated: 2023-10-30. Review status: criteria provided, single submitter. Criteria: ACMG Guidelines, 2015. Collection method: clinical testing. Allele origin: germline. Inheritance: Autosomal dominant inheritance. Observed: 5 variant alleles, 5 heterozygotes.
Comment: This study involves interpretation of variants in research participants for the purpose of population health screening. Participant phenotype was not available at the time of variant classification. Additional details can be found in publication PMID: 35346344, PMCID: PMC8962531

Ambry Genetics
Classification: Likely benign for Cardiovascular phenotype. Last evaluated: 2021-07-12. Review status: criteria provided, single submitter. Criteria: Ambry Variant Classification Scheme 2023. Collection method: clinical testing. Allele origin: germline.

Color Diagnostics, LLC DBA Color Health
Classification: Likely benign for Cardiomyopathy. Last evaluated: 2019-07-15. Review status: criteria provided, single submitter. Criteria: ACMG Guidelines, 2015. Collection method: clinical testing. Allele origin: germline.

Literature cited by the submitters: PubMed 24447446 (cited by Ambry Genetics).